The following is an entry in ClinVar:

Single allele

Gene: TTN (titin; minus strand). Cytogenetic location: 2q31.2.
Variant type: Duplication.
Identifiers: ClinVar variation 667349 (VCV000667349.4).

ClinVar aggregate classification (germline): Uncertain significance (1 of 4 stars; one submission).

Submission:

Laboratory for Molecular Medicine, Mass General Brigham Personalized Medicine
Classification: Uncertain significance. Last evaluated: 2018-03-23. Review status: criteria provided, single submitter. Criteria: LMM Criteria. Collection method: clinical testing. Allele origin: germline. Observed: 2 variant alleles.
Comment: The duplication of exons 192-244 in TTN has not been previously reported in indi viduals with cardiomyopathy. It is unknown if this duplication is in tandem, wit h the possibility of altering protein expression/function, or was inserted in a different locus, which may not impact the protein. A larger intragenic duplication involving this region was identified in one cont rol sample (Kidd 2008). In summary, the clinical significance of this duplicatio n is uncertain.

Literature cited by the submitters: PubMed 18451855; PubMed 27066507.